The following is an entry in ClinVar:

NM_000257.4(MYH7):c.545C>T (p.Ala182Val)

Gene: MYH7 (myosin heavy chain 7; minus strand). Cytogenetic location: 14q11.2.
Variant type: single nucleotide variant.
Coding change: c.545C>T on transcript NM_000257.4 (MANE Select); coding-DNA position 545, C replaced by T.
Protein change: p.Ala182Val; replaces alanine 182 with valine.
Molecular consequence: missense variant.
Genome position (GRCh38, 1-based): chr14:23,431,855, G>A on the plus strand (C>T on the coding strand, the complement: MYH7 is on the minus strand). VCF-style: chr14-23431855-G-A. GRCh37 (hg19) VCF-style: chr14-23901064-G-A.
Other names: c.545C>T, p.Ala182Val (NM_001407004.1); short protein forms A182V.
Identifiers: ClinVar variation 2039475 (VCV002039475.4), dbSNP rs2502314059, ClinGen allele CA389052575.

ClinVar aggregate classification (germline): Uncertain significance (1 of 4 stars; one submission).

Conditions:
Hypertrophic cardiomyopathy. Also called: HYPERTROPHIC MYOCARDIOPATHY. Identifiers: Orphanet 217569, MedGen C0007194, MeSH D002312, MONDO:0005045, HP:0001639.

Submission:

Labcorp Genetics (formerly Invitae), Labcorp
Classification: Uncertain significance for Hypertrophic cardiomyopathy. Last evaluated: 2021-12-10. Review status: criteria provided, single submitter. Criteria: Invitae Variant Classification Sherloc (09022015). Collection method: clinical testing. Allele origin: germline.
Comment: This sequence change replaces alanine, which is neutral and non-polar, with valine, which is neutral and non-polar, at codon 182 of the MYH7 protein (p.Ala182Val). This variant is not present in population databases (gnomAD no frequency). This variant has not been reported in the literature in individuals affected with MYH7-related conditions. Algorithms developed to predict the effect of missense changes on protein structure and function are either unavailable or do not agree on the potential impact of this missense change (SIFT: "Deleterious"; PolyPhen-2: "Probably Damaging"; Align-GVGD: "Class C0"). This variant is found within a region of MYH7 between codons 181 and 937 that contains the majority of the myosin head domain. Missense variants in this region have been shown to be significantly overrepresented in individuals with hypertrophic cardiomyopathy (PMID: 27532257). In summary, the available evidence is currently insufficient to determine the role of this variant in disease. Therefore, it has been classified as a Variant of Uncertain Significance.

Literature cited by the submitters: PubMed 27532257.